The following is an entry in ClinVar:

NM_000179.3(MSH6):c.2545A>T (p.Thr849Ser)

Gene: MSH6 (mutS homolog 6; plus strand). Cytogenetic location: 2p16.3.
Variant type: single nucleotide variant.
Coding change: c.2545A>T on transcript NM_000179.3 (MANE Select); coding-DNA position 2545, A replaced by T.
Protein change: p.Thr849Ser; replaces threonine 849 with serine.
Molecular consequence: missense variant. On other transcripts: non-coding transcript variant (5), intron variant (3).
Genome position (GRCh38, 1-based): chr2:47,800,528, A>T. VCF-style: chr2-47800528-A-T. GRCh37 (hg19) VCF-style: chr2-48027667-A-T.
Other names: c.2155A>T, p.Thr719Ser (NM_001281492.2); c.1639A>T, p.Thr547Ser (NM_001281493.2, NM_001281494.2, NM_001406811.1 and 6 more transcripts); c.2641A>T, p.Thr881Ser (NM_001406795.1, NM_001406802.1); c.2545A>T, p.Thr849Ser (NM_001406796.1, NM_001406798.1, NM_001406800.1 and 2 more transcripts); c.2248A>T, p.Thr750Ser (NM_001406797.1, NM_001406801.1, NM_001406805.1 and 10 more transcripts); c.2020A>T, p.Thr674Ser (NM_001406799.1, NM_001406806.1, NM_001406807.1); c.2467A>T, p.Thr823Ser (NM_001406804.1); c.2551A>T, p.Thr851Ser (NM_001406813.1); and 4 more; short protein forms T547S, T750S, T823S, T849S, T851S, T674S, T719S, T793S.
Identifiers: ClinVar variation 2773651 (VCV002773651.3), dbSNP rs1558665776, ClinGen allele CA346754548.

ClinVar aggregate classification (germline): Uncertain significance. Review status: criteria provided, multiple submitters, no conflicts (2 of 4 stars). 2 submissions from 2 submitters: Uncertain significance (2). Last evaluated 2023-04-28.

Conditions:
Lynch syndrome. Identifiers: Orphanet 144, MedGen C4552100, MONDO:0005835. Disease mechanism: loss of function.
Hereditary cancer-predisposing syndrome. Also called: Hereditary neoplastic syndrome; Hereditary Cancer Syndrome; Neoplastic Syndromes, Hereditary; Tumor predisposition. Identifiers: Orphanet 140162, MedGen C0027672, MeSH D009386, MONDO:0015356.

Submissions (2):

All of Us Research Program, National Institutes of Health
Classification: Uncertain significance for Lynch syndrome. Last evaluated: 2023-04-28. Review status: criteria provided, single submitter. Criteria: ACMG Guidelines, 2015. Collection method: clinical testing. Allele origin: germline. Inheritance: Autosomal dominant inheritance. Observed: 1 variant allele, 1 heterozygote.
Comment: This missense variant replaces threonine with serine at codon 849 of the MSH6 protein. Computational prediction suggests that this variant may not impact protein structure and function (internally defined REVEL score threshold <= 0.5, PMID: 27666373). To our knowledge, functional studies have not been reported for this variant. This variant has not been reported in individuals affected with MSH6-related disorders in the literature. This variant has not been identified in the general population by the Genome Aggregation Database (gnomAD). The available evidence is insufficient to determine the role of this variant in disease conclusively. Therefore, this variant is classified as a Variant of Uncertain Significance.

This study involves interpretation of variants in research participants for the purpose of population health screening. Participant phenotype was not available at the time of variant classification. Additional details can be found in publication PMID: 35346344, PMCID: PMC8962531

Color Diagnostics, LLC DBA Color Health
Classification: Uncertain significance for Hereditary cancer-predisposing syndrome. Last evaluated: 2022-11-06. Review status: criteria provided, single submitter. Criteria: ACMG Guidelines, 2015. Collection method: clinical testing. Allele origin: germline.
Comment: This missense variant replaces threonine with serine at codon 849 of the MSH6 protein. Computational prediction suggests that this variant may not impact protein structure and function (internally defined REVEL score threshold <= 0.5, PMID: 27666373). To our knowledge, functional studies have not been reported for this variant. This variant has not been reported in individuals affected with MSH6-related disorders in the literature. This variant has not been identified in the general population by the Genome Aggregation Database (gnomAD). The available evidence is insufficient to determine the role of this variant in disease conclusively. Therefore, this variant is classified as a Variant of Uncertain Significance.